The following is an entry in ClinVar:

NM_005502.4(ABCA1):c.5879C>T (p.Thr1960Ile)

Gene: ABCA1 (ATP binding cassette subfamily A member 1; minus strand). Cytogenetic location: 9q31.1.
Variant type: single nucleotide variant.
Coding change: c.5879C>T on transcript NM_005502.4 (MANE Select); coding-DNA position 5879, C replaced by T.
Protein change: p.Thr1960Ile; replaces threonine 1960 with isoleucine.
Molecular consequence: missense variant.
Genome position (GRCh38, 1-based): chr9:104,790,970, G>A on the plus strand (C>T on the coding strand, the complement: ABCA1 is on the minus strand). VCF-style: chr9-104790970-G-A. GRCh37 (hg19) VCF-style: chr9-107553251-G-A.
Other names: short protein forms T1960I.
Identifiers: ClinVar variation 1992016 (VCV001992016.4), dbSNP rs2538045723, ClinGen allele CA374309869.

ClinVar aggregate classification (germline): Uncertain significance (1 of 4 stars; one submission).

Allele frequency attached by ClinVar (database versions not stated): gnomAD exomes below 0.00001.
gnomAD v4.1: 3 of 1,613,842 alleles (0.00019%); highest among the groups gnomAD compares: Non-Finnish European, 0.00025%; no homozygotes.

Submission:

Labcorp Genetics (formerly Invitae), Labcorp
Classification: Uncertain significance. Last evaluated: 2024-12-16. Review status: criteria provided, single submitter. Criteria: Invitae Variant Classification Sherloc (09022015). Collection method: clinical testing. Allele origin: germline.
Comment: This sequence change replaces threonine, which is neutral and polar, with isoleucine, which is neutral and non-polar, at codon 1960 of the ABCA1 protein (p.Thr1960Ile). This variant is not present in population databases (gnomAD no frequency). This variant has not been reported in the literature in individuals affected with ABCA1-related conditions. ClinVar contains an entry for this variant (Variation ID: 1992016). Invitae Evidence Modeling of protein sequence and biophysical properties (such as structural, functional, and spatial information, amino acid conservation, physicochemical variation, residue mobility, and thermodynamic stability) has been performed for this missense variant. However, the output from this modeling did not meet the statistical confidence thresholds required to predict the impact of this variant on ABCA1 protein function. In summary, the available evidence is currently insufficient to determine the role of this variant in disease. Therefore, it has been classified as a Variant of Uncertain Significance.